The following is an entry in ClinVar:

ClinVar aggregate classification (germline): Likely benign (0 of 4 stars; one submission).

Conditions:
LTBP4-related disorder. Also called: LTBP4-related condition.

Allele frequency attached by ClinVar (database versions not stated): gnomAD exomes below 0.00001.
gnomAD v4.1: 1 of 1,506,356 alleles (0.000066%); highest among the groups gnomAD compares: Non-Finnish European, 0.000088%; no homozygotes.

Submission:

PreventionGenetics, part of Exact Sciences
Classification: Likely benign for LTBP4-related condition. Last evaluated: 2023-10-17. Review status: no assertion criteria provided. Collection method: clinical testing. Allele origin: germline.
Comment: This variant is classified as likely benign based on ACMG/AMP sequence variant interpretation guidelines (Richards et al. 2015 PMID: 25741868, with internal and published modifications).

NM_003573.2(LTBP4):c.17-1807C>T

Gene: LTBP4 (latent transforming growth factor beta binding protein 4; plus strand). Cytogenetic location: 19q13.2.
Variant type: single nucleotide variant.
Coding change: c.17-1807C>T on transcript NM_003573.2; 1807 bases into the intron before coding-DNA position 17, C replaced by T.
Molecular consequence: intron variant.
Genome position (GRCh38, 1-based): chr19:40,597,390, C>T. VCF-style: chr19-40597390-C-T. GRCh37 (hg19) VCF-style: chr19-41103296-C-T.
Other names: c.146+10C>T (NM_001042544.1).
Identifiers: ClinVar variation 3038923 (VCV003038923.2), dbSNP rs1461005574, ClinGen allele CA633121184.